The following is an entry in ClinVar:

ClinVar aggregate classification (germline): Uncertain significance. Review status: criteria provided, multiple submitters, no conflicts (2 of 4 stars). 2 submissions from 2 submitters: Uncertain significance (2). Last evaluated 2022-05-08.

Conditions:
Welander distal myopathy (WDM). Also called: Gower's muscular dystrophy; MUSCULAR DYSTROPHY, DISTAL, LATE-ONSET, AUTOSOMAL DOMINANT; Welander distal myopathy, Swedish type; Distal myopathy, Swedish type. Identifiers: Orphanet 603, MedGen C0221054, MONDO:0011466, OMIM 604454.

Allele frequency attached by ClinVar (database versions not stated): gnomAD exomes below 0.00001 and 0.00001; gnomAD 0.00001; ESP Exome Variant Server 0.00008.
gnomAD v4.1: 3 of 1,567,530 alleles (0.00019%); highest among the groups gnomAD compares: African/African-American, 0.0014%; no homozygotes.

Submissions (2):

Labcorp Genetics (formerly Invitae), Labcorp
Classification: Uncertain significance for Welander distal myopathy. Last evaluated: 2022-05-08. Review status: criteria provided, single submitter. Criteria: Invitae Variant Classification Sherloc (09022015). Collection method: clinical testing. Allele origin: germline.
Comment: In summary, the available evidence is currently insufficient to determine the role of this variant in disease. Therefore, it has been classified as a Variant of Uncertain Significance. Algorithms developed to predict the effect of sequence changes on RNA splicing suggest that this variant may disrupt the consensus splice site. Algorithms developed to predict the effect of missense changes on protein structure and function (SIFT, PolyPhen-2, Align-GVGD) all suggest that this variant is likely to be tolerated. ClinVar contains an entry for this variant (Variation ID: 944740). This variant has not been reported in the literature in individuals affected with TIA1-related conditions. This variant is present in population databases (rs375191972, gnomAD 0.007%). This sequence change replaces serine, which is neutral and polar, with leucine, which is neutral and non-polar, at codon 133 of the TIA1 protein (p.Ser133Leu).

Revvity Omics, Revvity
Classification: Uncertain significance. Last evaluated: 2022-01-28. Review status: criteria provided, single submitter. Criteria: ACMG Guidelines, 2015. Collection method: clinical testing. Allele origin: germline.

NM_022173.4(TIA1):c.398C>T (p.Ser133Leu)

Gene: TIA1 (TIA1 cytotoxic granule associated RNA binding protein; minus strand). Cytogenetic location: 2p13.3.
Variant type: single nucleotide variant.
Coding change: c.398C>T on transcript NM_022173.4 (MANE Select); coding-DNA position 398, C replaced by T.
Protein change: p.Ser133Leu; replaces serine 133 with leucine.
Molecular consequence: missense variant. On other transcripts: 5 prime UTR variant (3), 3 prime UTR variant (1), non-coding transcript variant (17).
Genome position (GRCh38, 1-based): chr2:70,227,735, G>A on the plus strand (C>T on the coding strand, the complement: TIA1 is on the minus strand). VCF-style: chr2-70227735-G-A. GRCh37 (hg19) VCF-style: chr2-70454867-G-A.
Other names: c.398C>T, p.Ser133Leu (NM_001351508.2, NM_001351516.2, NM_001351518.2 and 2 more transcripts); c.371C>T, p.Ser124Leu (NM_001351509.2); c.365C>T, p.Ser122Leu (NM_001351510.2, NM_001351521.2, NM_022037.4); c.287C>T, p.Ser96Leu (NM_001351511.1); c.260C>T, p.Ser87Leu (NM_001351512.1); c.254C>T, p.Ser85Leu (NM_001351513.1); c.170C>T, p.Ser57Leu (NM_001351514.2, NM_001351523.2); c.95C>T, p.Ser32Leu (NM_001351515.2); and 4 more; short protein forms S122L, S85L, S57L, S87L, S96L, S124L, S133L, S32L.
Identifiers: ClinVar variation 944740 (VCV000944740.12), dbSNP rs375191972, ClinGen allele CA49636298.
Genomic context (GRCh38, chr2:70,227,735, plus strand): 5'-GTTATGTCTACATATAATTGTTTCTAATTAAAAGGATTTTATTTATCTTCTGTTACTTAC[G>A]ATATTCTTCCAAATGGTGCAAAAGCAGCTTTTATATCTTCAGTTGTAATTTCTGGGCTGA-3'
Protein context (NP_071505.2, residues 123-143): KAAFAPFGRI[Ser133Leu]DARVVKDMAT